The following is an entry in ClinVar:

NM_001267550.2(TTN):c.87550G>A (p.Val29184Met)

Genes: TTN (titin; minus strand), TTN-AS1 (TTN antisense RNA 1; plus strand). Cytogenetic location: 2q31.2.
Variant type: single nucleotide variant.
Coding change: c.87550G>A on transcript NM_001267550.2 (MANE Select); coding-DNA position 87550, G replaced by A.
Protein change: p.Val29184Met; replaces valine 29184 with methionine.
Molecular consequence: missense variant.
Genome position (GRCh38, 1-based): chr2:178,557,804, C>T on the plus strand (G>A on the coding strand, the complement: TTN is on the minus strand). VCF-style: chr2-178557804-C-T. GRCh37 (hg19) VCF-style: chr2-179422531-C-T.
Other names: c.82627G>A, p.Val27543Met (NM_001256850.1); c.60355G>A, p.Val20119Met (NM_003319.4); c.79846G>A, p.Val26616Met (NM_133378.4); c.60730G>A, p.Val20244Met (NM_133432.3); c.60931G>A, p.Val20311Met (NM_133437.4); short protein forms V20119M, V20244M, V20311M, V26616M, V27543M, V29184M.
Identifiers: ClinVar variation 1205916 (VCV001205916.6), dbSNP rs910283551, ClinGen allele CA60981703.

ClinVar aggregate classification (germline): Conflicting classifications of pathogenicity. Review status: criteria provided, conflicting classifications (1 of 4 stars). 4 submissions from 4 submitters: Uncertain significance (1); Likely benign (1). 2 of the submissions do not count toward it. Last evaluated 2026-04-01.

Allele frequency attached by ClinVar (database versions not stated): gnomAD 0.00001 and 0.00002; gnomAD exomes 0.00001; TOPMed 0.00002.
gnomAD v4.1: 19 of 1,613,852 alleles (0.0012%); highest among the groups gnomAD compares: Non-Finnish European, 0.0015%; no homozygotes.

Submissions (4):

CeGaT Center for Human Genetics Tuebingen
Classification: Uncertain significance. Last evaluated: 2026-04-01. Review status: criteria provided, single submitter. Criteria: CeGaT Center For Human Genetics Tuebingen Variant Classification Criteria Version 2. Collection method: clinical testing. Allele origin: germline. Affected: yes. Observed: 1 variant allele.
Comment: TTN: PM2, BP4

Molecular Diagnostic Laboratory for Inherited Cardiovascular Disease, Montreal Heart Institute
Classification: Likely benign. Last evaluated: 2025-04-09. Review status: criteria provided, single submitter. Criteria: ACMG Guidelines, 2015. Collection method: clinical testing. Allele origin: germline. Affected: no.
Comment: BP1

Joint Genome Diagnostic Labs from Nijmegen and Maastricht, Radboudumc and MUMC+
Classification: Uncertain significance. Review status: no assertion criteria provided. Collection method: clinical testing. Allele origin: germline. Affected: yes. Study: VKGL Data-share Consensus. Not counted in ClinVar's aggregate classification.

Laboratory of Diagnostic Genome Analysis, Leiden University Medical Center (LUMC)
Classification: Uncertain significance. Review status: no assertion criteria provided. Collection method: clinical testing. Allele origin: germline. Affected: yes. Study: VKGL Data-share Consensus. Not counted in ClinVar's aggregate classification.